The following is an entry in ClinVar:

NM_000059.4(BRCA2):c.1184G>A (p.Trp395Ter)

Gene: BRCA2 (BRCA2 DNA repair associated; plus strand). Cytogenetic location: 13q13.1.
Variant type: single nucleotide variant.
Coding change: c.1184G>A on transcript NM_000059.4 (MANE Select); coding-DNA position 1184, G replaced by A.
Protein change: p.Trp395Ter; replaces tryptophan 395 with a stop codon.
Molecular consequence: nonsense.
Genome position (GRCh38, 1-based): chr13:32,332,662, G>A. VCF-style: chr13-32332662-G-A. GRCh37 (hg19) VCF-style: chr13-32906799-G-A.
Other names: 1412G>A-Trp395ter; short protein forms W395*.
Identifiers: ClinVar variation 266612 (VCV000266612.31), dbSNP rs886040347, ClinGen allele CA10589073.
Genomic context (GRCh38, chr13:32,332,662, plus strand): 5'-CCTTTGAGAGTGGAAGTGACAAAATCTCCAAGGAAGTTGTACCGTCTTTGGCCTGTGAAT[G>A]GTCTCAACTAACCCTTTCAGGTCTAAATGGAGCCCAGATGGAGAAAATACCCCTATTGCA-3'

ClinVar aggregate classification (germline): Pathogenic. Review status: reviewed by expert panel (3 of 4 stars). 5 submissions from 5 submitters: Pathogenic (1). 4 of the submissions do not count toward it. Last evaluated 2016-10-18.

Conditions:
Gastric cancer. Also called: Malignant tumor of stomach; Stomach cancer. Identifiers: MedGen C0024623, MeSH D013274, MONDO:0001056, OMIM 613659, HP:0012126.
Hereditary breast ovarian cancer syndrome. Also called: Hereditary breast and/or ovarian cancer syndrome; Hereditary breast and ovarian cancer syndrome; Hereditary breast and ovarian cancer syndrome (HBOC); Hereditary breast and ovarian cancer; BRCA1- and BRCA2-Associated Hereditary Breast and Ovarian Cancer; Breast and ovarian cancer. Identifiers: Orphanet 145, MedGen C0677776, MeSH D061325, MONDO:0003582. Disease mechanism: loss of function.
Breast-ovarian cancer, familial, susceptibility to, 2 (BROVCA2). Also called: BRCA2 Hereditary Breast and Ovarian Cancer. Identifiers: Orphanet 145, MedGen C2675520, MONDO:0012933, OMIM 612555. Disease mechanism: loss of function.

Submissions (5):

Evidence-based Network for the Interpretation of Germline Mutant Alleles (ENIGMA)
Classification: Pathogenic for Breast-ovarian cancer, familial, susceptibility to, 2. Last evaluated: 2016-10-18. Review status: reviewed by expert panel. Criteria: ENIGMA BRCA1/2 Classification Criteria (2015). Collection method: curation. Allele origin: germline.
Comment: Variant allele predicted to encode a truncated non-functional protein.

Labcorp Genetics (formerly Invitae), Labcorp
Classification: Pathogenic for Hereditary breast ovarian cancer syndrome. Last evaluated: 2020-10-20. Review status: criteria provided, single submitter. Criteria: Invitae Variant Classification Sherloc (09022015). Collection method: clinical testing. Allele origin: germline. Not counted in ClinVar's aggregate classification.
Comment: This variant is not present in population databases (ExAC no frequency). This sequence change creates a premature translational stop signal (p.Trp395*) in the BRCA2 gene. It is expected to result in an absent or disrupted protein product. For these reasons, this variant has been classified as Pathogenic. Loss-of-function variants in BRCA2 are known to be pathogenic (PMID: 20104584). This variant has been observed in an individual with a personal and/or family history of breast and/or ovarian cancer (PMID: 24549055). ClinVar contains an entry for this variant (Variation ID: 266612).

Consortium of Investigators of Modifiers of BRCA1/2 (CIMBA), c/o University of Cambridge
Classification: Pathogenic for Breast-ovarian cancer, familial, susceptibility to, 2. Last evaluated: 2015-10-02. Review status: criteria provided, single submitter. Criteria: CIMBA Mutation Classification guidelines May 2016. Collection method: clinical testing. Allele origin: germline. Not counted in ClinVar's aggregate classification.

Laboratory for Genotyping Development, RIKEN
Classification: Pathogenic for Gastric cancer. Last evaluated: 2021-07-01. Review status: no assertion criteria provided. Collection method: research. Allele origin: germline. Not counted in ClinVar's aggregate classification.

Research Molecular Genetics Laboratory, Women's College Hospital, University of Toronto
Classification: Pathogenic for Hereditary breast ovarian cancer syndrome. Last evaluated: 2014-01-31. Review status: no assertion criteria provided. Collection method: research. Allele origin: germline. Affected: yes. Study: The Canadian Open Genetics Repository (COGR). Not counted in ClinVar's aggregate classification.

Literature cited by the submitters: PubMed 20104584 (cited by Labcorp Genetics (formerly Invitae), Labcorp); PubMed 24549055 (cited by Labcorp Genetics (formerly Invitae), Labcorp); PubMed 36988593 (cited by Laboratory for Genotyping Development, RIKEN).